The following is an entry in ClinVar:

ClinVar aggregate classification (germline): Uncertain significance (1 of 4 stars; one submission).

Conditions:
NOTCH2-related disorder. Also called: NOTCH2-related condition.

gnomAD v4.1: 1 of 1,614,056 alleles (0.000062%); highest among the groups gnomAD compares: Non-Finnish European, 0.000085%; no homozygotes.

Submission:

PreventionGenetics, part of Exact Sciences
Classification: Uncertain significance for NOTCH2-related condition. Last evaluated: 2026-02-16. Review status: criteria provided, single submitter. Criteria: ACMG Guidelines, 2015. Collection method: clinical testing. Allele origin: germline.
Comment: The NOTCH2 c.3389G>A variant is predicted to result in the amino acid substitution p.Gly1130Asp. To our knowledge, this variant has not been reported in the literature or in a large population database (gnomAD), indicating this variant is rare. At this time, the clinical significance of this variant is uncertain due to the absence of conclusive functional and genetic evidence.

NM_024408.4(NOTCH2):c.3389G>A (p.Gly1130Asp)

Gene: NOTCH2 (notch receptor 2; minus strand). Cytogenetic location: 1p12.
Variant type: single nucleotide variant.
Coding change: c.3389G>A on transcript NM_024408.4 (MANE Select); coding-DNA position 3389, G replaced by A.
Protein change: p.Gly1130Asp; replaces glycine 1130 with aspartic acid.
Molecular consequence: missense variant.
Genome position (GRCh38, 1-based): chr1:119,937,415, C>T on the plus strand (G>A on the coding strand, the complement: NOTCH2 is on the minus strand). VCF-style: chr1-119937415-C-T. GRCh37 (hg19) VCF-style: chr1-120480038-C-T.
Other names: c.3389G>A, p.Gly1130Asp (NM_001200001.2); short protein forms G1130D.
Identifiers: ClinVar variation 4993203 (VCV004993203.1).